The following is an entry in ClinVar:

NM_001083962.2(TCF4):c.1418C>T (p.Pro473Leu)

Gene: TCF4 (transcription factor 4; minus strand). Cytogenetic location: 18q21.2.
Variant type: single nucleotide variant.
Coding change: c.1418C>T on transcript NM_001083962.2 (MANE Select); coding-DNA position 1418, C replaced by T.
Protein change: p.Pro473Leu; replaces proline 473 with leucine.
Molecular consequence: missense variant.
Genome position (GRCh38, 1-based): chr18:55,234,616, G>A on the plus strand (C>T on the coding strand, the complement: TCF4 is on the minus strand). VCF-style: chr18-55234616-G-A. GRCh37 (hg19) VCF-style: chr18-52901847-G-A.
Other names: c.1346C>T, p.Pro449Leu (NM_001348219.2, NM_001243227.2, NM_001306207.1 and 5 more transcripts); c.1343C>T, p.Pro448Leu (NM_001348220.1, NM_001369576.1, NM_001369577.1 and 6 more transcripts); c.1418C>T, p.Pro473Leu (NM_001369567.1, NM_001369568.1, NM_001369571.1 and 2 more transcripts); c.1415C>T, p.Pro472Leu (NM_001369569.1, NM_001369570.1, NM_001369573.1 and 2 more transcripts); c.1724C>T, p.Pro575Leu (NM_001243226.3); c.1436C>T, p.Pro479Leu (NM_001243228.2); c.1409C>T, p.Pro470Leu (NM_001243230.2); c.1292C>T, p.Pro431Leu (NM_001243231.2, NM_001348211.2); and 6 more; short protein forms P312L, P343L, P402L, P449L, P450L, P470L, P575L, P257L.
Identifiers: ClinVar variation 1397299 (VCV001397299.8), dbSNP rs1214980882, ClinGen allele CA402531844.

ClinVar aggregate classification (germline): Uncertain significance (1 of 4 stars; one submission).

Conditions:
Pitt-Hopkins syndrome (PTHS). Also called: ENCEPHALOPATHY, SEVERE EPILEPTIC, WITH AUTONOMIC DYSFUNCTION; MENTAL RETARDATION, SYNDROMAL, WITH INTERMITTENT HYPERVENTILATION. Identifiers: Orphanet 2896, MedGen C1970431, MONDO:0012589, OMIM 610954.

Allele frequency attached by ClinVar (database versions not stated): gnomAD 0.00001.
gnomAD v4.1: 6 of 1,613,998 alleles (0.00037%); highest among the groups gnomAD compares: Non-Finnish European, 0.00034%; no homozygotes.

Submission:

Labcorp Genetics (formerly Invitae), Labcorp
Classification: Uncertain significance for Pitt-Hopkins syndrome. Last evaluated: 2025-04-28. Review status: criteria provided, single submitter. Criteria: Invitae Variant Classification Sherloc (09022015). Collection method: clinical testing. Allele origin: germline.
Comment: This sequence change replaces proline, which is neutral and non-polar, with leucine, which is neutral and non-polar, at codon 473 of the TCF4 protein (p.Pro473Leu). This variant is present in population databases (no rsID available, gnomAD 0.0009%). This variant has not been reported in the literature in individuals affected with TCF4-related conditions. ClinVar contains an entry for this variant (Variation ID: 1397299). Invitae Evidence Modeling of protein sequence and biophysical properties (such as structural, functional, and spatial information, amino acid conservation, physicochemical variation, residue mobility, and thermodynamic stability) indicates that this missense variant is not expected to disrupt TCF4 protein function with a negative predictive value of 95%. In summary, the available evidence is currently insufficient to determine the role of this variant in disease. Therefore, it has been classified as a Variant of Uncertain Significance.